The following is an entry in ClinVar:

NM_022552.5(DNMT3A):c.1205dup (p.Asn403fs)

Gene: DNMT3A (DNA methyltransferase 3 alpha; minus strand). Cytogenetic location: 2p23.3.
Variant type: Duplication.
Coding change: c.1205dup on transcript NM_022552.5 (MANE Select); coding-DNA position 1205, one base duplicated (A; older notation c.1205dupA).
Protein change: p.Asn403fs; shifts the reading frame from asparagine 403.
Molecular consequence: frameshift variant. On other transcripts: non-coding transcript variant (1).
Genome position (GRCh38, 1-based): chr2:25,246,694, T duplicated on the plus strand (A on the coding strand, the reverse complement: DNMT3A is on the minus strand). VCF-style (leftmost placement, unchanged base first): chr2-25246693-C-CT. GRCh37 (hg19) VCF-style: chr2-25469562-C-CT.
Other names: c.749dup, p.Asn251fs (NM_001320893.1); c.536dup, p.Asn180fs (NM_001375819.1); c.638dup, p.Asn214fs (NM_153759.3); c.1205dup, p.Asn403fs (NM_175629.2); short protein forms N180fs, N214fs, N251fs, N403fs.
Identifiers: ClinVar variation 5018750 (VCV005018750.1).

ClinVar aggregate classification (germline): Pathogenic (1 of 4 stars; one submission).

Conditions:
Tatton-Brown-Rahman overgrowth syndrome. Also called: Tall stature-intellectual disability-facial dysmorphism syndrome; Tatton-Brown-Rahman syndrome. Identifiers: Orphanet 404443, MedGen C4014545, MONDO:0014382, OMIM 615879.

Submission:

Juno Genomics, Hangzhou Juno Genomics, Inc
Classification: Pathogenic for Tatton-Brown-Rahman overgrowth syndrome. Review status: criteria provided, single submitter. Criteria: ACMG Guidelines, 2015. Collection method: clinical testing. Allele origin: germline. Affected: yes.
Comment: Absent from controls (or at extremely low frequency if recessive) in Genome Aggregation Database.;De novo (both maternity and paternity confirmed) in a patient with the disease and no family history.;Null variant in a gene where loss of function (LOF) is a known mechanism of disease.